The following is an entry in ClinVar:

NM_003072.5(SMARCA4):c.2891T>C (p.Ile964Thr)

Gene: SMARCA4 (SWI/SNF related BAF chromatin remodeling complex subunit ATPase 4; plus strand). Cytogenetic location: 19p13.2.
Variant type: single nucleotide variant.
Coding change: c.2891T>C on transcript NM_003072.5 (MANE Select); coding-DNA position 2891, T replaced by C.
Protein change: p.Ile964Thr; replaces isoleucine 964 with threonine.
Molecular consequence: missense variant. On other transcripts: non-coding transcript variant (1).
Genome position (GRCh38, 1-based): chr19:11,023,549, T>C. VCF-style: chr19-11023549-T-C. GRCh37 (hg19) VCF-style: chr19-11134225-T-C.
Other names: c.2891T>C, p.Ile964Thr (NM_001128844.3, NM_001128845.2, NM_001128846.2 and 4 more transcripts); short protein forms I964T.
Identifiers: ClinVar variation 848641 (VCV000848641.9), dbSNP rs2090025960, ClinGen allele CA404057531.

ClinVar aggregate classification (germline): Uncertain significance (1 of 4 stars; one submission).

Conditions:
Rhabdoid tumor predisposition syndrome 2 (RTPS2). Identifiers: Orphanet 231108, Orphanet 69077, MedGen C2750074, MONDO:0013224, OMIM 613325.

Submission:

Labcorp Genetics (formerly Invitae), Labcorp
Classification: Uncertain significance for Rhabdoid tumor predisposition syndrome 2. Last evaluated: 2019-02-27. Review status: criteria provided, single submitter. Criteria: Invitae Variant Classification Sherloc (09022015). Collection method: clinical testing. Allele origin: germline.
Comment: This sequence change replaces isoleucine with threonine at codon 964 of the SMARCA4 protein (p.Ile964Thr). The isoleucine residue is highly conserved and there is a moderate physicochemical difference between isoleucine and threonine. This variant is not present in population databases (ExAC no frequency). This variant has not been reported in the literature in individuals with SMARCA4-related conditions. Algorithms developed to predict the effect of missense changes on protein structure and function are either unavailable or do not agree on the potential impact of this missense change (SIFT: "Deleterious"; PolyPhen-2: "Probably Damaging"; Align-GVGD: "Class C0"). In summary, the available evidence is currently insufficient to determine the role of this variant in disease. Therefore, it has been classified as a Variant of Uncertain Significance.